The following is an entry in ClinVar:

ClinVar aggregate classification (germline): Uncertain significance. Review status: criteria provided, multiple submitters, no conflicts (2 of 4 stars). 3 submissions from 3 submitters: Uncertain significance (3). Last evaluated 2023-06-20.

Conditions:
Epidermolysis bullosa simplex 5B, with muscular dystrophy (EBS5B). Also called: Epidermolysis bullosa simplex with muscular dystrophy; EPIDERMOLYSIS BULLOSA SIMPLEX AND LIMB-GIRDLE MUSCULAR DYSTROPHY. Identifiers: Orphanet 257, MedGen C2931072, MONDO:0009181, OMIM 226670.
Epidermolysis bullosa simplex, Ogna type (EBS5A). Also called: Pidermolysis bullosa simplex 5A, Ogna type; EPIDERMOLYSIS BULLOSA SIMPLEX 5A, OGNA TYPE. Identifiers: Orphanet 79401, MedGen C0432317, MONDO:0007555, OMIM 131950.
Epidermolysis bullosa simplex with nail dystrophy (EBS5D). Identifiers: MedGen C4225309, MONDO:0014661, OMIM 616487.
Autosomal recessive limb-girdle muscular dystrophy type 2Q (LGMDR17). Also called: MUSCULAR DYSTROPHY, LIMB-GIRDLE, AUTOSOMAL RECESSIVE 17. Identifiers: Orphanet 254361, MedGen C3150989, MONDO:0013390, OMIM 613723.
Epidermolysis bullosa simplex 5C, with pyloric atresia (EBS5C). Also called: PLEC-Related Epidermolysis Bullosa with Pyloric Atresia; Epidermolysis bullosa simplex with pyloric atresia; PLEC1-Related Epidermolysis Bullosa with Pyloric Atresia. Identifiers: Orphanet 158684, MedGen C2677349, MONDO:0012807, OMIM 612138.

Allele frequency attached by ClinVar (database versions not stated): TOPMed 0.00001; gnomAD 0.00003 and 0.00004; gnomAD exomes 0.00005 and 0.00011; ExAC 0.00028.
gnomAD v4.1: 67 of 1,535,172 alleles (0.0044%); highest among the groups gnomAD compares: South Asian, 0.025%; no homozygotes.

Submissions (3):

Labcorp Genetics (formerly Invitae), Labcorp
Classification: Uncertain significance for Autosomal recessive limb-girdle muscular dystrophy type 2Q; Epidermolysis bullosa simplex, Ogna type; Epidermolysis bullosa simplex with nail dystrophy; Epidermolysis bullosa simplex 5C, with pyloric atresia; Epidermolysis bullosa simplex 5B, with muscular dystrophy. Last evaluated: 2023-06-20. Review status: criteria provided, single submitter. Criteria: Invitae Variant Classification Sherloc (09022015). Collection method: clinical testing. Allele origin: germline.
Comment: In summary, the available evidence is currently insufficient to determine the role of this variant in disease. Therefore, it has been classified as a Variant of Uncertain Significance. Experimental studies and prediction algorithms are not available or were not evaluated, and the functional significance of this variant is currently unknown. This variant has not been reported in the literature in individuals affected with PLEC-related conditions. ClinVar contains an entry for this variant (Variation ID: 595451). This variant is present in population databases (rs782270594, gnomAD 0.04%). This sequence change replaces arginine, which is basic and polar, with glutamine, which is neutral and polar, at codon 1746 of the PLEC protein (p.Arg1746Gln).

Revvity Omics, Revvity
Classification: Uncertain significance. Last evaluated: 2023-06-14. Review status: criteria provided, single submitter. Criteria: ACMG Guidelines, 2015. Collection method: clinical testing. Allele origin: germline.

Eurofins Ntd Llc (ga)
Classification: Uncertain significance. Last evaluated: 2017-12-22. Review status: criteria provided, single submitter. Criteria: EGL Classification Definitions 2015. Collection method: clinical testing. Allele origin: germline. Observed: 1 variant allele, 1 heterozygote.

NM_201384.3(PLEC):c.5156G>A (p.Arg1719Gln)

Gene: PLEC (plectin; minus strand). Cytogenetic location: 8q24.3.
Variant type: single nucleotide variant.
Coding change: c.5156G>A on transcript NM_201384.3 (MANE Select); coding-DNA position 5156, G replaced by A.
Protein change: p.Arg1719Gln; replaces arginine 1719 with glutamine.
Molecular consequence: missense variant.
Genome position (GRCh38, 1-based): chr8:143,924,773, C>T on the plus strand (G>A on the coding strand, the complement: PLEC is on the minus strand). VCF-style: chr8-143924773-C-T. GRCh37 (hg19) VCF-style: chr8-144998941-C-T.
Other names: c.5237G>A, p.Arg1746Gln (NM_000445.5); c.5114G>A, p.Arg1705Gln (NM_201378.4); c.5090G>A, p.Arg1697Gln (NM_201379.3); c.5567G>A, p.Arg1856Gln (NM_201380.4); c.5060G>A, p.Arg1687Gln (NM_201381.3); c.5156G>A, p.Arg1719Gln (NM_201382.4); c.5168G>A, p.Arg1723Gln (NM_201383.3); c.5237G>A (NM_000445.3); short protein forms R1697Q, R1705Q, R1687Q, R1746Q, R1856Q, R1719Q, R1723Q.
Identifiers: ClinVar variation 595451 (VCV000595451.11), dbSNP rs782270594, ClinGen allele CA4926411.